The following is an entry in ClinVar:

NM_138694.4(PKHD1):c.3904G>A (p.Val1302Ile)

Gene: PKHD1 (PKHD1 ciliary IPT domain containing fibrocystin/polyductin; minus strand). Cytogenetic location: 6p12.2.
Variant type: single nucleotide variant.
Coding change: c.3904G>A on transcript NM_138694.4 (MANE Select); coding-DNA position 3904, G replaced by A.
Protein change: p.Val1302Ile; replaces valine 1302 with isoleucine.
Molecular consequence: missense variant.
Genome position (GRCh38, 1-based): chr6:52,025,906, C>T on the plus strand (G>A on the coding strand, the complement: PKHD1 is on the minus strand). VCF-style: chr6-52025906-C-T. GRCh37 (hg19) VCF-style: chr6-51890704-C-T.
Other names: c.3904G>A, p.Val1302Ile (NM_170724.3); short protein forms V1302I.
Identifiers: ClinVar variation 458595 (VCV000458595.10), dbSNP rs141972092, ClinGen allele CA3852813.

ClinVar aggregate classification (germline): Uncertain significance. Review status: criteria provided, multiple submitters, no conflicts (2 of 4 stars). 5 submissions from 5 submitters: Uncertain significance (3). 2 of the submissions do not count toward it. Last evaluated 2024-06-17.

Conditions:
Polycystic kidney disease 4 (PKD4). Also called: POLYCYSTIC KIDNEY AND HEPATIC DISEASE 1; POLYCYSTIC KIDNEY DISEASE, INFANTILE, TYPE I; POLYCYSTIC KIDNEY DISEASE 4 WITH OR WITHOUT POLYCYSTIC LIVER DISEASE; Autosomal Recessive Polycystic Kidney Disease – PKHD1; PKD3. Identifiers: MedGen C4540575, MONDO:0033004, OMIM 263200.
Autosomal recessive polycystic kidney disease (ARPKD). Also called: AR polycystic kidney disease. Identifiers: Orphanet 731, Orphanet 8378, MedGen C0085548, MeSH D017044, MONDO:0009889.
PKHD1-related disorder. Also called: PKHD1-related condition.

Allele frequency attached by ClinVar (database versions not stated): gnomAD exomes 0.00001 and 0.00003; ExAC 0.00004; gnomAD 0.00011 and 0.00012; TOPMed 0.00014; ESP Exome Variant Server 0.00015; 1000 Genomes Project 30x 0.00031; 1000 Genomes Project 0.00040.
gnomAD v4.1: 28 of 1,614,154 alleles (0.0017%); highest among the groups gnomAD compares: African/African-American, 0.028%; no homozygotes.

Submissions (5):

Fulgent Genetics
Classification: Uncertain significance for Polycystic kidney disease 4. Last evaluated: 2024-06-17. Review status: criteria provided, single submitter. Criteria: ACMG Guidelines, 2015. Collection method: clinical testing. Allele origin: germline.

Labcorp Genetics (formerly Invitae), Labcorp
Classification: Uncertain significance for Autosomal recessive polycystic kidney disease. Last evaluated: 2021-08-26. Review status: criteria provided, single submitter. Criteria: Invitae Variant Classification Sherloc (09022015). Collection method: clinical testing. Allele origin: germline.
Comment: This sequence change replaces valine with isoleucine at codon 1302 of the PKHD1 protein (p.Val1302Ile). The valine residue is moderately conserved and there is a small physicochemical difference between valine and isoleucine. This variant is present in population databases (rs141972092, ExAC 0.04%). This variant has not been reported in the literature in individuals affected with PKHD1-related conditions. Algorithms developed to predict the effect of missense changes on protein structure and function (SIFT, PolyPhen-2, Align-GVGD) all suggest that this variant is likely to be tolerated. In summary, the available evidence is currently insufficient to determine the role of this variant in disease. Therefore, it has been classified as a Variant of Uncertain Significance.

Eurofins Ntd Llc (ga)
Classification: Uncertain significance. Last evaluated: 2017-10-26. Review status: criteria provided, single submitter. Criteria: EGL Classification Definitions 2015. Collection method: clinical testing. Allele origin: germline. Observed: 1 variant allele, 1 heterozygote.

PreventionGenetics, part of Exact Sciences
Classification: Uncertain significance for PKHD1-related condition. Last evaluated: 2024-09-05. Review status: no assertion criteria provided. Collection method: clinical testing. Allele origin: germline. Not counted in ClinVar's aggregate classification.
Comment: The PKHD1 c.3904G>A variant is predicted to result in the amino acid substitution p.Val1302Ile. To our knowledge, this variant has not been reported in the literature. This variant is reported in 0.036% of alleles in individuals of African descent in gnomAD. At this time, the clinical significance of this variant is uncertain due to the absence of conclusive functional and genetic evidence.

Natera, Inc.
Classification: Uncertain significance for Autosomal recessive polycystic kidney disease. Last evaluated: 2020-09-16. Review status: no assertion criteria provided. Collection method: clinical testing. Allele origin: germline. Not counted in ClinVar's aggregate classification.